The following is an entry in ClinVar:

ClinVar aggregate classification (germline): Uncertain significance (1 of 4 stars; one submission).

Conditions:
PTCHD1-related disorder. Also called: PTCHD1-related condition.

Submission:

PreventionGenetics, part of Exact Sciences
Classification: Uncertain significance for PTCHD1-related condition. Last evaluated: 2026-02-02. Review status: criteria provided, single submitter. Criteria: ACMG Guidelines, 2015. Collection method: clinical testing. Allele origin: germline.
Comment: The PTCHD1 c.2333G>T variant is predicted to result in the amino acid substitution p.Gly778Val. To our knowledge, this variant has not been reported in the literature or in a large population database (gnomAD), indicating this variant is rare. At this time, the clinical significance of this variant is uncertain due to the absence of conclusive functional and genetic evidence.

NM_173495.3(PTCHD1):c.2333G>T (p.Gly778Val)

Gene: PTCHD1 (patched domain containing 1; plus strand). Cytogenetic location: Xp22.11.
Variant type: single nucleotide variant.
Coding change: c.2333G>T on transcript NM_173495.3 (MANE Select); coding-DNA position 2333, G replaced by T.
Protein change: p.Gly778Val; replaces glycine 778 with valine.
Molecular consequence: missense variant.
Genome position (GRCh38, 1-based): chrX:23,393,851, G>T. VCF-style: chrX-23393851-G-T. GRCh37 (hg19) VCF-style: chrX-23411968-G-T.
Other names: short protein forms G778V.
Identifiers: ClinVar variation 4994345 (VCV004994345.1).